The following is an entry in ClinVar:

NM_002878.4(RAD51D):c.150G>A (p.Leu50=)

Genes: RAD51L3-RFFL (RAD51L3-RFFL readthrough; minus strand), RAD51D (RAD51 paralog D; minus strand). Cytogenetic location: 17q12.
Variant type: single nucleotide variant.
Coding change: c.150G>A on transcript NM_002878.4 (MANE Select); coding-DNA position 150, G replaced by A.
Protein change: p.Leu50=; no amino-acid change (leucine 50 retained).
Molecular consequence: synonymous variant. On other transcripts: intron variant (2).
Genome position (GRCh38, 1-based): chr17:35,118,614, C>T on the plus strand (G>A on the coding strand, the complement: RAD51D is on the minus strand). VCF-style: chr17-35118614-C-T. GRCh37 (hg19) VCF-style: chr17-33445633-C-T.
Other names: c.144+497G>A (NM_133629.3, NM_001142571.2).
Identifiers: ClinVar variation 3903902 (VCV003903902.1).
Genomic context (GRCh38, chr17:35,118,614, plus strand): 5'-ATCAGCGCCATTCACGGGGAAAGCCGAGAACTGAGCCAGCAGCACCCGCCTCAGGGCAAC[C>T]AGGGCCTGCCAAAGGGCCCCAGACTGCTCAGCAACAAATTGCCCGTAGAAGCTGGCATCC-3'
Protein context (NP_002869.3, residues 40-60): AQKCGLSYKA[Leu50=]VALRRVLLAQ

ClinVar aggregate classification (germline): Benign (1 of 4 stars; one submission).

Conditions:
Breast-ovarian cancer, familial, susceptibility to, 4. Identifiers: Orphanet 145, MedGen C3280345, MONDO:0013669, OMIM 614291.

Submission:

Myriad Genetics, Inc.
Classification: Benign for Breast-ovarian cancer, familial, susceptibility to, 4. Last evaluated: 2025-02-20. Review status: criteria provided, single submitter. Criteria: Myriad Autosomal Dominant, Autosomal Recessive and X-Linked Classification Criteria (2023). Collection method: clinical testing. Allele origin: unknown.
Comment: This variant is considered benign. This variant is a silent/synonymous amino acid change and it is not expected to impact splicing.